The following is an entry in ClinVar:

ClinVar aggregate classification (germline): Likely benign. Review status: criteria provided, multiple submitters, no conflicts (2 of 4 stars). 6 submissions from 6 submitters: Likely benign (6). Last evaluated 2026-08-01.

Conditions:
TTN-related disorder. Also called: TTN-related disorders; TTN-related condition; TTN-related disease.
Cardiovascular phenotype. Identifiers: MedGen CN230736.
Dilated cardiomyopathy 1G (CMD1G). Identifiers: Orphanet 154, MedGen C1858763, MONDO:0011400, OMIM 604145.
Autosomal recessive limb-girdle muscular dystrophy type 2J (LGMDR10). Also called: MUSCULAR DYSTROPHY, LIMB-GIRDLE, AUTOSOMAL RECESSIVE 10; Limb-girdle muscular dystrophy, type 2J. Identifiers: Orphanet 140922, MedGen C1837342, MONDO:0012127, OMIM 608807.

Allele frequency attached by ClinVar (database versions not stated): 1000 Genomes Project 30x 0.00031; TOPMed 0.00016; 1000 Genomes Project 0.00020.
gnomAD v4.1: 91 of 1,612,566 alleles (0.0056%); highest among the groups gnomAD compares: Admixed American, 0.084%; no homozygotes.

Submissions (6):

CeGaT Center for Human Genetics Tuebingen
Classification: Likely benign. Last evaluated: 2026-08-01. Review status: criteria provided, single submitter. Criteria: CeGaT Center For Human Genetics Tuebingen Variant Classification Criteria Version 2. Collection method: clinical testing. Allele origin: germline. Affected: yes. Observed: 1 variant allele.
Comment: TTN: BP4, BP7

Labcorp Genetics (formerly Invitae), Labcorp
Classification: Likely benign for Dilated cardiomyopathy 1G; Autosomal recessive limb-girdle muscular dystrophy type 2J. Last evaluated: 2025-12-17. Review status: criteria provided, single submitter. Criteria: Invitae Variant Classification Sherloc (09022015). Collection method: clinical testing. Allele origin: germline.

PreventionGenetics, part of Exact Sciences
Classification: Likely benign for TTN-related condition. Last evaluated: 2025-05-08. Review status: criteria provided, single submitter. Criteria: ACMG Guidelines, 2015. Collection method: clinical testing. Allele origin: germline.
Comment: This variant is classified as likely benign based on ACMG/AMP sequence variant interpretation guidelines (Richards et al. 2015 PMID: 25741868, with internal and published modifications).

Laboratory of Genetics, Children's Clinical University Hospital Latvia
Classification: Likely benign. Last evaluated: 2025-02-16. Review status: criteria provided, single submitter. Criteria: ACMG Guidelines, 2015. Collection method: clinical testing. Allele origin: germline. Affected: yes.

GeneDx
Classification: Likely benign. Last evaluated: 2021-05-14. Review status: criteria provided, single submitter. Criteria: GeneDx Variant Classification Process June 2021. Collection method: clinical testing. Allele origin: germline. Affected: yes.

Ambry Genetics
Classification: Likely benign for Cardiovascular phenotype. Last evaluated: 2017-03-15. Review status: criteria provided, single submitter. Criteria: Ambry Variant Classification Scheme 2023. Collection method: clinical testing. Allele origin: germline.

NM_001267550.2(TTN):c.11415A>G (p.Pro3805=)

Gene: TTN (titin; minus strand). Cytogenetic location: 2q31.2.
Variant type: single nucleotide variant.
Coding change: c.11415A>G on transcript NM_001267550.2 (MANE Select); coding-DNA position 11415, A replaced by G.
Protein change: p.Pro3805=; no amino-acid change (proline 3805 retained).
Molecular consequence: synonymous variant. On other transcripts: intron variant (1).
Genome position (GRCh38, 1-based): chr2:178,741,818, T>C on the plus strand (A>G on the coding strand, the complement: TTN is on the minus strand). VCF-style: chr2-178741818-T-C. GRCh37 (hg19) VCF-style: chr2-179606545-T-C.
Other names: c.10464A>G, p.Pro3488= (NM_001256850.1); c.10326A>G, p.Pro3442= (NM_003319.4); c.10701A>G, p.Pro3567= (NM_133432.3); c.10902A>G, p.Pro3634= (NM_133437.4); c.10361-3458A>G (NM_133378.4).
Identifiers: ClinVar variation 238704 (VCV000238704.20), dbSNP rs561157636, ClinGen allele CA2002855.